The following is an entry in ClinVar:

ClinVar aggregate classification (germline): Pathogenic/Likely pathogenic. Review status: criteria provided, multiple submitters, no conflicts (2 of 4 stars). 4 submissions from 4 submitters: Pathogenic (1); Likely pathogenic (3). Last evaluated 2025-08-01.

Conditions:
Hereditary cancer-predisposing syndrome. Also called: Neoplastic Syndromes, Hereditary; Hereditary Cancer Syndrome; Tumor predisposition; Hereditary neoplastic syndrome. Identifiers: Orphanet 140162, MedGen C0027672, MeSH D009386, MONDO:0015356.
Familial adenomatous polyposis 2. Also called: FAP type 2; COLORECTAL ADENOMATOUS POLYPOSIS, AUTOSOMAL RECESSIVE; MYH-associated polyposis; MUTYH-associated polyposis; Adenomas, multiple colorectal; ADENOMAS, MULTIPLE COLORECTAL, AUTOSOMAL RECESSIVE. Identifiers: Orphanet 220460, Orphanet 247798, MedGen C3272841, MONDO:0012041, OMIM 608456.

Submissions (4):

Ambry Genetics
Classification: Likely pathogenic for Hereditary cancer-predisposing syndrome. Last evaluated: 2025-08-01. Review status: criteria provided, single submitter. Criteria: Ambry Variant Classification Scheme 2023. Collection method: clinical testing. Allele origin: germline.
Comment: The c.933_933+1delAG variant results from a deletion of 1 nucleotide located at position 933 as well as a deletion of the first intronic nucleotide after coding exon 10 of the MUTYH gene. This variant is considered to be rare based on population cohorts in the Genome Aggregation Database (gnomAD). This nucleotide position is well conserved in available vertebrate species. In silico splice site analysis predicts that this alteration will weaken the native splice donor site and will result in the creation or strengthening of a novel splice donor site; however, direct evidence is insufficient at this time (Ambry internal data). Alterations that disrupt the canonical splice site are expected to cause aberrant splicing, resulting in an abnormal protein or a transcript that is subject to nonsense-mediated mRNA decay. As such, this alteration is classified as likely pathogenic.

Molecular Pathology, Peter Maccallum Cancer Centre
Classification: Likely pathogenic for Familial adenomatous polyposis 2. Last evaluated: 2024-08-12. Review status: criteria provided, single submitter. Criteria: ACMG Guidelines, 2015. Collection method: clinical testing. Allele origin: germline. Inheritance: Autosomal recessive inheritance.

Labcorp Genetics (formerly Invitae), Labcorp
Classification: Pathogenic for Familial adenomatous polyposis 2. Last evaluated: 2024-03-16. Review status: criteria provided, single submitter. Criteria: Invitae Variant Classification Sherloc (09022015). Collection method: clinical testing. Allele origin: germline.
Comment: This sequence change creates a premature translational stop signal (p.Arg311Serfs*17) in the MUTYH gene. It is expected to result in an absent or disrupted protein product. Loss-of-function variants in MUTYH are known to be pathogenic (PMID: 18534194, 20663686). This variant is not present in population databases (gnomAD no frequency). This variant has not been reported in the literature in individuals affected with MUTYH-related conditions. This variant is also known as c.933_933+1del. ClinVar contains an entry for this variant (Variation ID: 481788). Algorithms developed to predict the effect of sequence changes on RNA splicing suggest that this variant may disrupt the consensus splice site. For these reasons, this variant has been classified as Pathogenic.

Color Diagnostics, LLC DBA Color Health
Classification: Likely pathogenic for Hereditary cancer-predisposing syndrome. Last evaluated: 2021-12-15. Review status: criteria provided, single submitter. Criteria: ACMG Guidelines, 2015. Collection method: clinical testing. Allele origin: germline.
Comment: This variant deletes the last nucleotide of exon 10 and the +1 nucleotide of intron 10 in the MUTYH gene. Splice site prediction tools suggest that this variant may have a significant impact on RNA splicing. Although this prediction has not been confirmed in published RNA studies, this variant is expected to result in an absent or disrupted protein product. This variant has not been reported in individuals affected with hereditary cancer in the literature. This variant has not been identified in the general population by the Genome Aggregation Database (gnomAD). Loss of MUTYH function is a known mechanism of disease. Based on the available evidence, this variant is classified as Likely Pathogenic.

Literature cited by the submitters: PubMed 18534194 (cited by Labcorp Genetics (formerly Invitae), Labcorp); PubMed 20663686 (cited by Labcorp Genetics (formerly Invitae), Labcorp).

NM_001128425.2(MUTYH):c.933_933+1del

Gene: MUTYH (mutY DNA glycosylase; minus strand). Cytogenetic location: 1p34.1.
Variant type: Microsatellite.
Coding change: c.933_933+1del on transcript NM_001128425.2 (MANE Plus Clinical); coding-DNA position 933 through the canonical splice donor site of the intron after coding-DNA position 933, 2 bases deleted (AG; older notation c.933_933+1delAG).
Molecular consequence: splice donor variant.
Genome position (GRCh38, 1-based): chr1:45,332,165-45,332,166, CT deleted on the plus strand (AG on the coding strand, the reverse complement: MUTYH is on the minus strand); deleting any 2 consecutive bases within chr1:45,332,165-45,332,170 gives the same sequence; the c. name uses the placement nearest the transcript's 3' end. VCF-style (leftmost placement, unchanged base first): chr1-45332164-ACT-A. GRCh37 (hg19) VCF-style: chr1-45797836-ACT-A.
Other names: c.933_933+1del (NM_001128425.1).
Identifiers: ClinVar variation 481788 (VCV000481788.19), dbSNP rs1553127514, ClinGen allele CA658656923.
Genomic context (GRCh38, chr1:45,332,164, plus strand): 5'-GAGTGTCATAGGGCAGAGTCACTCCTTAGGACTTCTCACTGCCCCTTCCCCAGTAGGCTT[ACT>A]CTCTGGCGTGCCCGGCACAGGCTCTCCACAGGGCACTGGCTGCACAGTGGGCGCTGTGGG-3'